The following is an entry in ClinVar:

NM_152564.5(VPS13B):c.8285del (p.Lys2762fs)

Gene: VPS13B (vacuolar protein sorting 13 homolog B; plus strand). Cytogenetic location: 8q22.2.
Variant type: Deletion.
Coding change: c.8285del on transcript NM_152564.5 (MANE Select); coding-DNA position 8285, one base deleted (A; older notation c.8285delA).
Protein change: p.Lys2762fs; shifts the reading frame from lysine 2762.
Molecular consequence: frameshift variant.
Genome position (GRCh38, 1-based): chr8:99,817,727, A deleted; the last of 2 consecutive A bases (chr8:99,817,726-99,817,727); deleting either gives the same sequence. VCF-style (leftmost placement, unchanged base first): chr8-99817725-GA-G. GRCh37 (hg19) VCF-style: chr8-100829953-GA-G.
Other names: c.8360del, p.Lys2787fs (NM_017890.5); short protein forms K2787fs, K2762fs.
Identifiers: ClinVar variation 2846951 (VCV002846951.3), dbSNP rs2492006068, ClinGen allele CA2739265785.
Genomic context (GRCh38, chr8:99,817,725, plus strand): 5'-AGCCAAACAGAAATTGCCTTCGTACATACTAGAAAACAATGAACTGACGGAGCTGTGTGT[GA>G]AGGCCAAAGGAGATGAAGACTGGTCAAGAGATGTGTGCCTGGAATCCAAAGCCCCTGAGT-3'

ClinVar aggregate classification (germline): Pathogenic (1 of 4 stars; one submission).

Conditions:
Cohen syndrome (COH1). Also called: Cutis verticis gyrata, retinitis pigmentosa, and sensorineural deafness; PEPPER SYNDROME. Identifiers: Orphanet 193, MedGen C0265223, MONDO:0008999, OMIM 216550.

Submission:

Labcorp Genetics (formerly Invitae), Labcorp
Classification: Pathogenic for Cohen syndrome. Last evaluated: 2023-03-18. Review status: criteria provided, single submitter. Criteria: Invitae Variant Classification Sherloc (09022015). Collection method: clinical testing. Allele origin: germline.
Comment: For these reasons, this variant has been classified as Pathogenic. This variant has not been reported in the literature in individuals affected with VPS13B-related conditions. This variant is not present in population databases (gnomAD no frequency). This sequence change creates a premature translational stop signal (p.Lys2787Argfs*42) in the VPS13B gene. It is expected to result in an absent or disrupted protein product. Loss-of-function variants in VPS13B are known to be pathogenic (PMID: 15141358, 16648375, 20461111).

Literature cited by the submitters: PubMed 15141358; PubMed 16648375; PubMed 20461111.